The following is an entry in ClinVar:

ClinVar aggregate classification (germline): Likely benign. Review status: criteria provided, multiple submitters, no conflicts (2 of 4 stars). 2 submissions from 2 submitters: Likely benign (2). Last evaluated 2025-11-17.

Allele frequency attached by ClinVar (database versions not stated): gnomAD 0.00002 and 0.00003; TOPMed 0.00002.
gnomAD v4.1: 37 of 1,612,966 alleles (0.0023%); highest among the groups gnomAD compares: South Asian, 0.02%; no homozygotes.

Submissions (2):

Labcorp Genetics (formerly Invitae), Labcorp
Classification: Likely benign. Last evaluated: 2025-11-17. Review status: criteria provided, single submitter. Criteria: Invitae Variant Classification Sherloc (09022015). Collection method: clinical testing. Allele origin: germline.

CeGaT Center for Human Genetics Tuebingen
Classification: Likely benign. Last evaluated: 2023-04-01. Review status: criteria provided, single submitter. Criteria: CeGaT Center For Human Genetics Tuebingen Variant Classification Criteria Version 2. Collection method: clinical testing. Allele origin: germline. Affected: yes. Observed: 1 variant allele.
Comment: TRRAP: BP4, BP7

NM_001375524.1(TRRAP):c.6951G>A (p.Ala2317=)

Gene: TRRAP (transformation/transcription domain associated protein; plus strand). Cytogenetic location: 7q22.1.
Variant type: single nucleotide variant.
Coding change: c.6951G>A on transcript NM_001375524.1 (MANE Select); coding-DNA position 6951, G replaced by A.
Protein change: p.Ala2317=; no amino-acid change (alanine 2317 retained).
Molecular consequence: synonymous variant.
Genome position (GRCh38, 1-based): chr7:98,964,750, G>A. VCF-style: chr7-98964750-G-A. GRCh37 (hg19) VCF-style: chr7-98562373-G-A.
Other names: c.6930G>A, p.Ala2310= (NM_001244580.2); c.6876G>A, p.Ala2292= (NM_003496.4).
Identifiers: ClinVar variation 1579387 (VCV001579387.32), dbSNP rs762461104, ClinGen allele CA4361009.